The following is an entry in ClinVar:

NM_004446.3(EPRS1):c.4309C>G (p.Leu1437Val)

Gene: EPRS1 (glutamyl-prolyl-tRNA synthetase 1; minus strand). Cytogenetic location: 1q41.
Variant type: single nucleotide variant.
Coding change: c.4309C>G on transcript NM_004446.3 (MANE Select); coding-DNA position 4309, C replaced by G.
Protein change: p.Leu1437Val; replaces leucine 1437 with valine.
Molecular consequence: missense variant.
Genome position (GRCh38, 1-based): chr1:219,972,083, G>C on the plus strand (C>G on the coding strand, the complement: EPRS1 is on the minus strand). VCF-style: chr1-219972083-G-C. GRCh37 (hg19) VCF-style: chr1-220145425-G-C.
Other names: c.4309C>G (NM_004446.2); short protein forms L1437V.
Identifiers: ClinVar variation 872622 (VCV000872622.47), dbSNP rs148671123, ClinGen allele CA1399448.

ClinVar aggregate classification (germline): Uncertain significance. Review status: criteria provided, multiple submitters, no conflicts (2 of 4 stars). 4 submissions from 4 submitters: Uncertain significance (4). Last evaluated 2024-11-25.

Conditions:
Inborn genetic diseases. Identifiers: MedGen C0950123, MeSH D030342.

Allele frequency attached by ClinVar (database versions not stated): TOPMed 0.00007; ESP Exome Variant Server 0.00031.
gnomAD v4.1: 92 of 1,593,076 alleles (0.0058%); highest among the groups gnomAD compares: Non-Finnish European, 0.0074%; no homozygotes.

Submissions (4):

Ambry Genetics
Classification: Uncertain significance for Inborn genetic diseases. Last evaluated: 2024-11-25. Review status: criteria provided, single submitter. Criteria: Ambry Variant Classification Scheme 2023. Collection method: clinical testing. Allele origin: germline.

Labcorp Genetics (formerly Invitae), Labcorp
Classification: Uncertain significance. Last evaluated: 2024-11-04. Review status: criteria provided, single submitter. Criteria: Invitae Variant Classification Sherloc (09022015). Collection method: clinical testing. Allele origin: germline.
Comment: This sequence change replaces leucine, which is neutral and non-polar, with valine, which is neutral and non-polar, at codon 1437 of the EPRS protein (p.Leu1437Val). This variant is present in population databases (rs148671123, gnomAD 0.01%). This variant has not been reported in the literature in individuals affected with EPRS-related conditions. ClinVar contains an entry for this variant (Variation ID: 872622). An algorithm developed to predict the effect of missense changes on protein structure and function (PolyPhen-2) suggests that this variant is likely to be disruptive. In summary, the available evidence is currently insufficient to determine the role of this variant in disease. Therefore, it has been classified as a Variant of Uncertain Significance.

Blueprint Genetics
Classification: Uncertain significance. Last evaluated: 2024-08-21. Review status: criteria provided, single submitter. Criteria: ACMG Guidelines, 2015. Collection method: clinical testing. Allele origin: germline.

CeGaT Center for Human Genetics Tuebingen
Classification: Uncertain significance. Last evaluated: 2019-09-01. Review status: criteria provided, single submitter. Criteria: CeGaT Center For Human Genetics Tuebingen Variant Classification Criteria Version 2. Collection method: clinical testing. Allele origin: germline. Affected: yes. Observed: 3 variant alleles.